The following is an entry in ClinVar:

ClinVar aggregate classification (germline): Benign/Likely benign. Review status: criteria provided, multiple submitters, no conflicts (2 of 4 stars). 5 submissions from 5 submitters: Benign (1); Likely benign (3). 1 of the submissions does not count toward it. Last evaluated 2025-06-23.

Conditions:
Alagille syndrome due to a JAG1 point mutation. Also called: HEPATIC DUCTULAR HYPOPLASIA, SYNDROMATIC; Alagille Syndrome 1; JAG1-Related Alagille Syndrome. Identifiers: Orphanet 261619, Orphanet 52, MedGen C1956125, MONDO:0016862, OMIM 118450.
Tetralogy of Fallot (TOF). Identifiers: Orphanet 3303, MedGen C0039685, MONDO:0008542, OMIM 187500, HP:0001636.
Deafness, congenital heart defects, and posterior embryotoxon (DCHE). Identifiers: MedGen C1866053, MONDO:0060713, OMIM 617992.
Charcot-Marie-Tooth disease, axonal, Type 2HH. Also called: CHARCOT-MARIE-TOOTH NEUROPATHY, TYPE 2HH. Identifiers: MedGen C5562003, MONDO:0030458, OMIM 619574.
Cardiovascular phenotype. Identifiers: MedGen CN230736.
JAG1-related disorder. Also called: JAG1-related condition; JAG1-related disorders.

Allele frequency attached by ClinVar (database versions not stated): gnomAD exomes 0.00002 and 0.00012; gnomAD 0.00003; TOPMed 0.00006; ExAC 0.00008.
gnomAD v4.1: 40 of 1,614,044 alleles (0.0025%); highest among the groups gnomAD compares: East Asian, 0.085%; 1 homozygote.

Submissions (5):

Labcorp Genetics (formerly Invitae), Labcorp
Classification: Benign for Alagille syndrome due to a JAG1 point mutation. Last evaluated: 2025-06-23. Review status: criteria provided, single submitter. Criteria: Invitae Variant Classification Sherloc (09022015). Collection method: clinical testing. Allele origin: germline.

Blueprint Genetics
Classification: Likely benign. Last evaluated: 2023-10-12. Review status: criteria provided, single submitter. Criteria: ACMG Guidelines, 2015. Collection method: clinical testing. Allele origin: germline.

Ambry Genetics
Classification: Likely benign for Cardiovascular phenotype. Last evaluated: 2022-06-09. Review status: criteria provided, single submitter. Criteria: Ambry Variant Classification Scheme 2023. Collection method: clinical testing. Allele origin: germline.

Fulgent Genetics
Classification: Likely benign for Alagille syndrome due to a JAG1 point mutation; Tetralogy of Fallot; Deafness, congenital heart defects, and posterior embryotoxon; Charcot-Marie-Tooth disease, axonal, Type 2HH. Last evaluated: 2021-09-07. Review status: criteria provided, single submitter. Criteria: ACMG Guidelines, 2015. Collection method: clinical testing. Allele origin: unknown.

PreventionGenetics, part of Exact Sciences
Classification: Likely benign for JAG1-related condition. Last evaluated: 2022-09-27. Review status: no assertion criteria provided. Collection method: clinical testing. Allele origin: germline. Not counted in ClinVar's aggregate classification.
Comment: This variant is classified as likely benign based on ACMG/AMP sequence variant interpretation guidelines (Richards et al. 2015 PMID: 25741868, with internal and published modifications).

NM_000214.3(JAG1):c.1797T>C (p.Cys599=)

Gene: JAG1 (jagged canonical Notch ligand 1; minus strand). Cytogenetic location: 20p12.2.
Variant type: single nucleotide variant.
Coding change: c.1797T>C on transcript NM_000214.3 (MANE Select); coding-DNA position 1797, T replaced by C.
Protein change: p.Cys599=; no amino-acid change (cysteine 599 retained).
Molecular consequence: synonymous variant.
Genome position (GRCh38, 1-based): chr20:10,647,027, A>G on the plus strand (T>C on the coding strand, the complement: JAG1 is on the minus strand). VCF-style: chr20-10647027-A-G. GRCh37 (hg19) VCF-style: chr20-10627675-A-G.
Identifiers: ClinVar variation 1642698 (VCV001642698.14), dbSNP rs746760284, ClinGen allele CA9764749.